The following is an entry in ClinVar:

ClinVar aggregate classification (germline): Likely benign (1 of 4 stars; one submission).

Allele frequency attached by ClinVar (database versions not stated): gnomAD exomes below 0.00001.
gnomAD v4.1: 4 of 1,614,118 alleles (0.00025%); highest among the groups gnomAD compares: Non-Finnish European, 0.00034%; no homozygotes.

Submission:

CeGaT Center for Human Genetics Tuebingen
Classification: Likely benign. Last evaluated: 2024-01-01. Review status: criteria provided, single submitter. Criteria: CeGaT Center For Human Genetics Tuebingen Variant Classification Criteria Version 2. Collection method: clinical testing. Allele origin: germline. Affected: yes. Observed: 1 variant allele.
Comment: NTRK3: BP4, BP7

NM_001012338.3(NTRK3):c.2256T>C (p.Asp752=)

Gene: NTRK3 (neurotrophic receptor tyrosine kinase 3; minus strand). Cytogenetic location: 15q25.3.
Variant type: single nucleotide variant.
Coding change: c.2256T>C on transcript NM_001012338.3 (MANE Select); coding-DNA position 2256, T replaced by C.
Protein change: p.Asp752=; no amino-acid change (aspartic acid 752 retained).
Molecular consequence: synonymous variant.
Genome position (GRCh38, 1-based): chr15:87,880,348, A>G on the plus strand (T>C on the coding strand, the complement: NTRK3 is on the minus strand). VCF-style: chr15-87880348-A-G. GRCh37 (hg19) VCF-style: chr15-88423579-A-G.
Other names: c.2214T>C, p.Asp738= (NM_001007155.1, NM_001375811.1, NM_002530.4); c.2190T>C, p.Asp730= (NM_001243101.2, NM_001375812.1); c.2256T>C, p.Asp752= (NM_001375810.1).
Identifiers: ClinVar variation 3025872 (VCV003025872.22), dbSNP rs1345542262, ClinGen allele CA492242513.